The following is an entry in ClinVar:

NM_005909.5(MAP1B):c.5298C>T (p.Thr1766=)

Gene: MAP1B (microtubule associated protein 1B; plus strand). Cytogenetic location: 5q13.2.
Variant type: single nucleotide variant.
Coding change: c.5298C>T on transcript NM_005909.5 (MANE Select); coding-DNA position 5298, C replaced by T.
Protein change: p.Thr1766=; no amino-acid change (threonine 1766 retained).
Molecular consequence: synonymous variant.
Genome position (GRCh38, 1-based): chr5:72,198,653, C>T. VCF-style: chr5-72198653-C-T. GRCh37 (hg19) VCF-style: chr5-71494480-C-T.
Other names: c.4920C>T, p.Thr1640= (NM_001324255.2).
Identifiers: ClinVar variation 3033162 (VCV003033162.2), dbSNP rs149278396, ClinGen allele CA3299306.

ClinVar aggregate classification (germline): Likely benign (0 of 4 stars; one submission).

Conditions:
MAP1B-related disorder. Also called: MAP1B-related condition.

Allele frequency attached by ClinVar (database versions not stated): gnomAD exomes 0.00004; ExAC 0.00007; ESP Exome Variant Server 0.00031; gnomAD 0.00035; TOPMed 0.00045.
gnomAD v4.1: 110 of 1,614,202 alleles (0.0068%); highest among the groups gnomAD compares: African/African-American, 0.11%; no homozygotes.

Submission:

PreventionGenetics, part of Exact Sciences
Classification: Likely benign for MAP1B-related condition. Last evaluated: 2019-06-17. Review status: no assertion criteria provided. Collection method: clinical testing. Allele origin: germline.
Comment: This variant is classified as likely benign based on ACMG/AMP sequence variant interpretation guidelines (Richards et al. 2015 PMID: 25741868, with internal and published modifications).